The following is an entry in ClinVar:

NM_015178.3(RHOBTB2):c.729C>G (p.Ile243Met)

Gene: RHOBTB2 (Rho related BTB domain containing 2; plus strand). Cytogenetic location: 8p21.3.
Variant type: single nucleotide variant.
Coding change: c.729C>G on transcript NM_015178.3 (MANE Select); coding-DNA position 729, C replaced by G.
Protein change: p.Ile243Met; replaces isoleucine 243 with methionine.
Molecular consequence: missense variant.
Genome position (GRCh38, 1-based): chr8:23,006,974, C>G. VCF-style: chr8-23006974-C-G. GRCh37 (hg19) VCF-style: chr8-22864487-C-G.
Other names: c.795C>G, p.Ile265Met (NM_001160036.2); c.750C>G, p.Ile250Met (NM_001160037.2); c.729C>G, p.Ile243Met (NM_001374791.1); short protein forms I243M, I250M, I265M.
Identifiers: ClinVar variation 4800924 (VCV004800924.1).
Genomic context (GRCh38, chr8:23,006,974, plus strand): 5'-TGTGCAGCGGCCTCTGCTGCAGGCACCCTTCCTACCCCCCAAGCCACCGCCCCCGATCAT[C>G]GTGGTGCCCGACCCTCCCTCCAGCAGCGAGGAGTGCCCCGCCCACCTCCTGGAGGACCCG-3'
Protein context (NP_055993.2, residues 233-253): FLPPKPPPPI[Ile243Met]VVPDPPSSSE

ClinVar aggregate classification (germline): Uncertain significance (1 of 4 stars; one submission).

Submission:

Labcorp Genetics (formerly Invitae), Labcorp
Classification: Uncertain significance. Last evaluated: 2025-09-11. Review status: criteria provided, single submitter. Criteria: Invitae Variant Classification Sherloc (09022015). Collection method: clinical testing. Allele origin: germline.
Comment: This sequence change replaces isoleucine, which is neutral and non-polar, with methionine, which is neutral and non-polar, at codon 265 of the RHOBTB2 protein (p.Ile265Met). This variant is not present in population databases (gnomAD no frequency). This variant has not been reported in the literature in individuals affected with RHOBTB2-related conditions. Invitae Evidence Modeling of protein sequence and biophysical properties (such as structural, functional, and spatial information, amino acid conservation, physicochemical variation, residue mobility, and thermodynamic stability) indicates that this missense variant is not expected to disrupt RHOBTB2 protein function with a negative predictive value of 80%. In summary, the available evidence is currently insufficient to determine the role of this variant in disease. Therefore, it has been classified as a Variant of Uncertain Significance.